The following is an entry in ClinVar:

ClinVar aggregate classification (germline): Pathogenic/Likely pathogenic. Review status: criteria provided, multiple submitters, no conflicts (2 of 4 stars). 3 submissions from 3 submitters: Pathogenic (2); Likely pathogenic (1). Last evaluated 2021-09-07.

Conditions:
Autistic behavior. Identifiers: MedGen C0856975, HP:0000729.
Phelan-McDermid syndrome. Also called: Phelan-McDermid Syndrome-SHANK3 Related; TELOMERIC 22q13 MONOSOMY SYNDROME; 22q13.3 deletion syndrome. Identifiers: Orphanet 48652, MedGen C1853490, MONDO:0011652, OMIM 606232.

Submissions (3):

Institute for Clinical Genetics, University Hospital TU Dresden, University Hospital TU Dresden
Classification: Pathogenic. Last evaluated: 2021-09-07. Review status: criteria provided, single submitter. Criteria: ACMG Guidelines, 2015. Collection method: clinical testing. Allele origin: de novo.
Comment: PVS1, PS2, PM2_SUP

Cytogénomique, Hospices Civils de Lyon
Classification: Pathogenic for Autistic behavior. Last evaluated: 2020-12-21. Review status: criteria provided, single submitter. Criteria: ACMG Guidelines, 2015. Collection method: clinical testing. Allele origin: de novo. Inheritance: Sporadic. Affected: yes. Observed: 1 variant allele, 1 heterozygote.
Comment: de novo truncating variant absent from gnomAD.

Institute of Human Genetics, University Hospital of Duesseldorf
Classification: Likely pathogenic for Phelan-McDermid syndrome. Review status: criteria provided, single submitter. Criteria: ACMG Guidelines, 2015. Collection method: not provided. Allele origin: germline. Inheritance: Autosomal dominant inheritance. Affected: yes.

NM_001372044.2(SHANK3):c.5209C>T (p.Gln1737Ter)

Gene: SHANK3 (SH3 and multiple ankyrin repeat domains 3; plus strand). Cytogenetic location: 22q13.33.
Variant type: single nucleotide variant.
Coding change: c.5209C>T on transcript NM_001372044.2 (MANE Select); coding-DNA position 5209, C replaced by T.
Protein change: p.Gln1737Ter; replaces glutamine 1737 with a stop codon.
Molecular consequence: nonsense.
Genome position (GRCh38, 1-based): chr22:50,731,100, C>T. VCF-style: chr22-50731100-C-T. GRCh37 (hg19) VCF-style: chr22-51169528-C-T.
Other names: short protein forms Q1737*.
Identifiers: ClinVar variation 992589 (VCV000992589.3), dbSNP rs1294272918, ClinGen allele CA515267568.